The following is an entry in ClinVar:

NM_000593.6(TAP1):c.664G>C (p.Asp222His)

Gene: TAP1 (transporter 1, ATP binding cassette subfamily B member; minus strand). Cytogenetic location: 6p21.32.
Variant type: single nucleotide variant.
Coding change: c.664G>C on transcript NM_000593.6 (MANE Select); coding-DNA position 664, G replaced by C.
Protein change: p.Asp222His; replaces aspartic acid 222 with histidine.
Molecular consequence: missense variant.
Genome position (GRCh38, 1-based): chr6:32,852,437, C>G on the plus strand (G>C on the coding strand, the complement: TAP1 is on the minus strand). VCF-style: chr6-32852437-C-G. GRCh37 (hg19) VCF-style: chr6-32820214-C-G.
Other names: c.61G>C, p.Asp21His (NM_001292022.2); short protein forms D21H, D222H.
Identifiers: ClinVar variation 2070072 (VCV002070072.4), dbSNP rs1407467013, ClinGen allele CA363581387.

ClinVar aggregate classification (germline): Uncertain significance (1 of 4 stars; one submission).

Conditions:
MHC class I deficiency. Identifiers: Orphanet 34592, MedGen C6024714, MONDO:0011476.

Submission:

Labcorp Genetics (formerly Invitae), Labcorp
Classification: Uncertain significance for MHC class I deficiency 1. Last evaluated: 2022-01-02. Review status: criteria provided, single submitter. Criteria: Invitae Variant Classification Sherloc (09022015). Collection method: clinical testing. Allele origin: germline.
Comment: In summary, the available evidence is currently insufficient to determine the role of this variant in disease. Therefore, it has been classified as a Variant of Uncertain Significance. Algorithms developed to predict the effect of missense changes on protein structure and function are either unavailable or do not agree on the potential impact of this missense change (SIFT: "Tolerated"; PolyPhen-2: "Possibly Damaging"; Align-GVGD: "Class C0"). This variant has not been reported in the literature in individuals affected with TAP1-related conditions. This variant is not present in population databases (gnomAD no frequency). This sequence change replaces aspartic acid, which is acidic and polar, with histidine, which is basic and polar, at codon 282 of the TAP1 protein (p.Asp282His).